The following is an entry in ClinVar:

ClinVar aggregate classification (germline): Uncertain significance (1 of 4 stars; one submission).

Conditions:
Glycogen storage disease type III (GSD3). Also called: Cori disease; FORBES DISEASE. Identifiers: Orphanet 366, MedGen C0017922, MONDO:0009291, OMIM 232400.

Submission:

Labcorp Genetics (formerly Invitae), Labcorp
Classification: Uncertain significance for Glycogen storage disease type III. Last evaluated: 2023-12-11. Review status: criteria provided, single submitter. Criteria: Invitae Variant Classification Sherloc (09022015). Collection method: clinical testing. Allele origin: germline.
Comment: This sequence change replaces proline, which is neutral and non-polar, with threonine, which is neutral and polar, at codon 418 of the AGL protein (p.Pro418Thr). This variant is not present in population databases (gnomAD no frequency). This variant has not been reported in the literature in individuals affected with AGL-related conditions. ClinVar contains an entry for this variant (Variation ID: 1397010). Advanced modeling of protein sequence and biophysical properties (such as structural, functional, and spatial information, amino acid conservation, physicochemical variation, residue mobility, and thermodynamic stability) performed at Invitae indicates that this missense variant is not expected to disrupt AGL protein function with a negative predictive value of 80%. Algorithms developed to predict the effect of sequence changes on RNA splicing suggest that this variant may disrupt the consensus splice site. In summary, the available evidence is currently insufficient to determine the role of this variant in disease. Therefore, it has been classified as a Variant of Uncertain Significance.

NM_000642.3(AGL):c.1252C>A (p.Pro418Thr)

Gene: AGL (amylo-alpha-1,6-glucosidase and 4-alpha-glucanotransferase; plus strand). Cytogenetic location: 1p21.2.
Variant type: single nucleotide variant.
Coding change: c.1252C>A on transcript NM_000642.3 (MANE Select); coding-DNA position 1252, C replaced by A.
Protein change: p.Pro418Thr; replaces proline 418 with threonine.
Molecular consequence: missense variant.
Genome position (GRCh38, 1-based): chr1:99,875,424, C>A. VCF-style: chr1-99875424-C-A. GRCh37 (hg19) VCF-style: chr1-100340980-C-A.
Other names: c.1252C>A, p.Pro418Thr (NM_000028.3, NM_000643.3, NM_000644.3 and 2 more transcripts); c.1204C>A, p.Pro402Thr (NM_000646.3); c.1048C>A, p.Pro350Thr (NM_001425328.1, NM_001425329.1); c.874C>A, p.Pro292Thr (NM_001425332.1); short protein forms P402T, P418T, P292T, P350T.
Identifiers: ClinVar variation 1397010 (VCV001397010.6), dbSNP rs2101128717, ClinGen allele CA341345585.
Genomic context (GRCh38, chr1:99,875,424, plus strand): 5'-AATTGCCTTTTGGGAAATGTGTTTTATGAACGACTGGCTGGCCATGGTCCAAAACTAGGA[C>A]CTGTCACTAGAAAGCATCCTTTAGTTACCAGGTGTTGCATTTTTGTTTTTTTTCTTATTG-3'
Protein context (NP_000633.2, residues 408-428): RLAGHGPKLG[Pro418Thr]VTRKHPLVTR